The following is an entry in ClinVar:

NM_015041.3(CLUAP1):c.1del (p.Met1fs)

Genes: CLUAP1 (clusterin associated protein 1; plus strand), LOC130058340 (ATAC-STARR-seq lymphoblastoid active region 10324; plus strand). Cytogenetic location: 16p13.3.
Variant type: Deletion.
Coding change: c.1del on transcript NM_015041.3 (MANE Select); coding-DNA position 1, one base deleted (A; older notation c.1delA).
Protein change: p.Met1fs; shifts the reading frame from methionine 1.
Molecular consequence: frameshift variant, initiator codon variant.
Genome position (GRCh38, 1-based): chr16:3,501,068, A deleted. VCF-style (leftmost placement, unchanged base first): chr16-3501067-TA-T. GRCh37 (hg19) VCF-style: chr16-3551067-TA-T.
Other names: c.1del, p.Met1fs (NM_001330454.2); short protein forms M1fs.
Identifiers: ClinVar variation 1440073 (VCV001440073.8), dbSNP rs755543900, ClinGen allele CA7863554.

ClinVar aggregate classification (germline): Uncertain significance (1 of 4 stars; one submission).

Allele frequency attached by ClinVar (database versions not stated): gnomAD 0.00003; gnomAD exomes 0.00004; TOPMed 0.00007; ExAC 0.00010; ESP Exome Variant Server 0.00016.

Submission:

Labcorp Genetics (formerly Invitae), Labcorp
Classification: Uncertain significance. Last evaluated: 2025-08-19. Review status: criteria provided, single submitter. Criteria: Invitae Variant Classification Sherloc (09022015). Collection method: clinical testing. Allele origin: germline.
Comment: This sequence change affects the initiator codon of the CLUAP1 mRNA. This change may impact translation initiation or efficiency. The next in-frame methionine is located at codon 12. This variant is present in population databases (rs755543900, gnomAD 0.007%). This variant has not been reported in the literature in individuals affected with CLUAP1-related conditions. ClinVar contains an entry for this variant (Variation ID: 1440073). In summary, the available evidence is currently insufficient to determine the role of this variant in disease. Therefore, it has been classified as a Variant of Uncertain Significance.